The following is an entry in ClinVar:

ClinVar aggregate classification (germline): Uncertain significance (1 of 4 stars; one submission).

Submission:

GeneDx
Classification: Uncertain significance. Last evaluated: 2025-08-07. Review status: criteria provided, single submitter. Criteria: GeneDx Variant Classification Process June 2021. Collection method: clinical testing. Allele origin: germline. Affected: yes.
Comment: Not observed at significant frequency in large population cohorts (gnomAD); In-frame duplication of 1 amino acid(s) in a non-repeat region; In silico analysis is inconclusive as to whether the variant alters gene splicing. In the absence of RNA/functional studies, the actual effect of this sequence change is unknown.; Has not been previously published as pathogenic or benign to our knowledge

NM_170606.3(KMT2C):c.1772_1774dup (p.His591_Pro592insHis)

Gene: KMT2C (lysine methyltransferase 2C; minus strand). Cytogenetic location: 7q36.1.
Variant type: Duplication.
Coding change: c.1772_1774dup on transcript NM_170606.3 (MANE Select); coding-DNA positions 1772 to 1774, 3 bases duplicated (ATC; older notation c.1772_1774dupATC).
Protein change: p.His591_Pro592insHis.
Molecular consequence: inframe insertion.
Genome position (GRCh38, 1-based): chr7:152,249,915-152,249,917, GAT duplicated on the plus strand (ATC on the coding strand, the reverse complement: KMT2C is on the minus strand); duplicating any 3 consecutive bases within chr7:152,249,915-152,249,919 gives the same sequence; the c. name uses the placement nearest the transcript's 3' end. VCF-style (leftmost placement, unchanged base first): chr7-152249914-G-GGAT. GRCh37 (hg19) VCF-style: chr7-151946999-G-GGAT.
Identifiers: ClinVar variation 4755634 (VCV004755634.1).